The following is an entry in ClinVar:

ClinVar aggregate classification (germline): Conflicting classifications of pathogenicity. Review status: criteria provided, conflicting classifications (1 of 4 stars). 7 submissions from 4 submitters: Uncertain significance (5); Likely benign (2). Last evaluated 2024-12-22.

Conditions:
Inborn genetic diseases. Identifiers: MedGen C0950123, MeSH D030342.
Retinitis pigmentosa (RP). Identifiers: Orphanet 791, MedGen C0035334, MeSH D012174, MONDO:0019200, OMIM 268000. Inheritance: Autosomal dominant, autosomal recessive and X linked inheritance.
Cone-rod dystrophy 12 (CORD12). Identifiers: Orphanet 1872, MedGen C2675210, MONDO:0012983, OMIM 612657.
Retinal macular dystrophy type 2 (MCDR2). Also called: Bull's eye macular dystrophy. Identifiers: Orphanet 319640, MedGen C4749334, MONDO:0011957, OMIM 608051.
Stargardt disease 4 (STGD4). Identifiers: Orphanet 827, MedGen C1863534, MONDO:0011370, OMIM 603786.

Allele frequency attached by ClinVar (database versions not stated): TOPMed below 0.00001; gnomAD exomes 0.00001 and 0.00002; ExAC 0.00003.
gnomAD v4.1: 11 of 1,613,778 alleles (0.00068%); highest among the groups gnomAD compares: Middle Eastern, 0.033%; 1 homozygote.

Submissions (7):

Labcorp Genetics (formerly Invitae), Labcorp
Classification: Uncertain significance. Last evaluated: 2024-12-22. Review status: criteria provided, single submitter. Criteria: Invitae Variant Classification Sherloc (09022015). Collection method: clinical testing. Allele origin: germline.
Comment: This sequence change replaces threonine, which is neutral and polar, with alanine, which is neutral and non-polar, at codon 860 of the PROM1 protein (p.Thr860Ala). This variant is present in population databases (rs747844753, gnomAD 0.006%). This variant has not been reported in the literature in individuals affected with PROM1-related conditions. ClinVar contains an entry for this variant (Variation ID: 347971). An algorithm developed to predict the effect of missense changes on protein structure and function (PolyPhen-2) suggests that this variant is likely to be tolerated. In summary, the available evidence is currently insufficient to determine the role of this variant in disease. Therefore, it has been classified as a Variant of Uncertain Significance.

Ambry Genetics
Classification: Uncertain significance for Inborn genetic diseases. Last evaluated: 2024-10-24. Review status: criteria provided, single submitter. Criteria: Ambry Variant Classification Scheme 2023. Collection method: clinical testing. Allele origin: germline.

Blueprint Genetics
Classification: Uncertain significance. Last evaluated: 2021-10-19. Review status: criteria provided, single submitter. Criteria: ACMG Guidelines, 2015. Collection method: clinical testing. Allele origin: germline.

Illumina Laboratory Services, Illumina
Classification: Uncertain significance for Retinal macular dystrophy type 2. Last evaluated: 2018-01-12. Review status: criteria provided, single submitter. Criteria: ICSL Variant Classification Criteria 13 December 2019. Collection method: clinical testing. Allele origin: germline.

Illumina Laboratory Services, Illumina
Classification: Likely benign for Stargardt disease 4. Last evaluated: 2018-01-12. Review status: criteria provided, single submitter. Criteria: ICSL Variant Classification Criteria 13 December 2019. Collection method: clinical testing. Allele origin: germline.
Comment: This variant was observed in the ICSL laboratory as part of a predisposition screen in an ostensibly healthy population. It had not been previously curated by ICSL or reported in the Human Gene Mutation Database (HGMD: prior to June 1st, 2018), and was therefore a candidate for classification through an automated scoring system. Utilizing variant allele frequency, disease prevalence and penetrance estimates, and inheritance mode, an automated score was calculated to assess if this variant is too frequent to cause the disease. Based on the score and internal cut-off values, a variant classified as likely benign is not then subjected to further curation. The score for this variant resulted in a classification of likely benign for this disease.

Illumina Laboratory Services, Illumina
Classification: Likely benign for Cone-rod dystrophy 12. Last evaluated: 2018-01-12. Review status: criteria provided, single submitter. Criteria: ICSL Variant Classification Criteria 13 December 2019. Collection method: clinical testing. Allele origin: germline.
Comment: the same text as in the submission from Illumina Laboratory Services, Illumina above.

Illumina Laboratory Services, Illumina
Classification: Uncertain significance for Retinitis pigmentosa. Last evaluated: 2018-01-12. Review status: criteria provided, single submitter. Criteria: ICSL Variant Classification Criteria 13 December 2019. Collection method: clinical testing. Allele origin: germline.

NM_006017.3(PROM1):c.2578A>G (p.Thr860Ala)

Gene: PROM1 (prominin 1; minus strand). Cytogenetic location: 4p15.32.
Variant type: single nucleotide variant.
Coding change: c.2578A>G on transcript NM_006017.3 (MANE Select); coding-DNA position 2578, A replaced by G.
Protein change: p.Thr860Ala; replaces threonine 860 with alanine.
Molecular consequence: missense variant. On other transcripts: intron variant (6).
Genome position (GRCh38, 1-based): chr4:15,979,399, T>C on the plus strand (A>G on the coding strand, the complement: PROM1 is on the minus strand). VCF-style: chr4-15979399-T-C. GRCh37 (hg19) VCF-style: chr4-15981022-T-C.
Other names: c.2551A>G, p.Thr851Ala (NM_001145847.2, NM_001145848.2, NM_001371406.1); c.2462+1023A>G (NM_001145852.2, NM_001371408.1, NM_001371407.1); c.2489+1023A>G (NM_001145850.2); c.2486+482A>G (NM_001145851.2); c.2513+482A>G (NM_001145849.2); short protein forms T860A, T851A.
Identifiers: ClinVar variation 347971 (VCV000347971.12), dbSNP rs747844753, ClinGen allele CA2866319.
Genomic context (GRCh38, chr4:15,979,399, plus strand): 5'-TAGGAGATGAGACGGTTTATCATAGGGCGGGCATGCACTTCCAGACTTTGCTTTACCTTG[T>C]CATAACAGGATTGTGAATACCATATACATGATCTTTATGATAACCATTATTACCATTTTC-3'
Protein context (NP_006008.1, residues 850-865): HVYGIHNPVM[Thr860Ala]SPSQH